The following is an entry in ClinVar:

NM_032608.7(MYO18B):c.6503C>T (p.Thr2168Ile)

Gene: MYO18B (myosin XVIIIB; plus strand). Cytogenetic location: 22q12.1.
Variant type: single nucleotide variant.
Coding change: c.6503C>T on transcript NM_032608.7 (MANE Select); coding-DNA position 6503, C replaced by T.
Protein change: p.Thr2168Ile; replaces threonine 2168 with isoleucine.
Molecular consequence: missense variant.
Genome position (GRCh38, 1-based): chr22:26,026,477, C>T. VCF-style: chr22-26026477-C-T. GRCh37 (hg19) VCF-style: chr22-26422443-C-T.
Other names: c.6503C>T (NM_032608.5); c.6506C>T, p.Thr2169Ile (NM_001318245.2); short protein forms T2168I, T2169I.
Identifiers: ClinVar variation 1468127 (VCV001468127.8), dbSNP rs368257345, ClinGen allele CA10161552.

ClinVar aggregate classification (germline): Uncertain significance. Review status: criteria provided, multiple submitters, no conflicts (2 of 4 stars). 2 submissions from 2 submitters: Uncertain significance (2). Last evaluated 2026-01-19.

Conditions:
Inborn genetic diseases. Identifiers: MedGen C0950123, MeSH D030342.

Allele frequency attached by ClinVar (database versions not stated): gnomAD exomes 0.00001 and 0.00003; ExAC 0.00005; ESP Exome Variant Server 0.00017; gnomAD 0.00017 and 0.00019.
gnomAD v4.1: 42 of 1,613,346 alleles (0.0026%); highest among the groups gnomAD compares: African/African-American, 0.044%; no homozygotes.

Submissions (2):

Labcorp Genetics (formerly Invitae), Labcorp
Classification: Uncertain significance. Last evaluated: 2026-01-19. Review status: criteria provided, single submitter. Criteria: Invitae Variant Classification Sherloc (09022015). Collection method: clinical testing. Allele origin: germline.
Comment: This sequence change replaces threonine, which is neutral and polar, with isoleucine, which is neutral and non-polar, at codon 2168 of the MYO18B protein (p.Thr2168Ile). This variant is present in population databases (rs368257345, gnomAD 0.03%). This variant has not been reported in the literature in individuals affected with MYO18B-related conditions. ClinVar contains an entry for this variant (Variation ID: 1468127). An algorithm developed to predict the effect of missense changes on protein structure and function outputs the following: PolyPhen-2: "Benign". The isoleucine amino acid residue is found in multiple mammalian species, which suggests that this missense change does not adversely affect protein function. In summary, the available evidence is currently insufficient to determine the role of this variant in disease. Therefore, it has been classified as a Variant of Uncertain Significance.

Ambry Genetics
Classification: Uncertain significance for Inborn genetic diseases. Last evaluated: 2024-05-07. Review status: criteria provided, single submitter. Criteria: Ambry Variant Classification Scheme 2023. Collection method: clinical testing. Allele origin: germline.